The following is an entry in ClinVar:

ClinVar aggregate classification (germline): Uncertain significance. Review status: reviewed by expert panel (3 of 4 stars). 6 submissions from 6 submitters: Uncertain significance (1). 5 of the submissions do not count toward it. Last evaluated 2022-03-09.

Conditions:
Hereditary cancer-predisposing syndrome. Also called: Hereditary Cancer Syndrome; Tumor predisposition; Neoplastic Syndromes, Hereditary; Hereditary neoplastic syndrome. Identifiers: Orphanet 140162, MedGen C0027672, MeSH D009386, MONDO:0015356.
Familial cancer of breast. Also called: hereditary breast carcinoma; BREAST CANCER, FAMILIAL; Hereditary breast cancer. Identifiers: Orphanet 227535, MedGen C0346153, MONDO:0016419, OMIM 114480. Disease mechanism: loss of function.
ATM-related cancer predisposition. Also called: ATM-related cancer susceptibility. Identifiers: MedGen CN377759, MONDO:0700270.
Ataxia-telangiectasia syndrome (AT). Also called: Ataxia-telangiectasia, complementation group E; Cerebello-oculocutaneous telangiectasia; Immunodeficiency with ataxia telangiectasia; Ataxia-telangiectasia, complementation group D; AT, COMPLEMENTATION GROUP C; ATAXIA-TELANGIECTASIA, COMPLEMENTATION GROUP A. Identifiers: Orphanet 100, MedGen C0004135, MONDO:0008840, OMIM 208900.

Submissions (6):

ClinGen Hereditary Breast, Ovarian and Pancreatic Cancer Variant Curation Expert Panel, ClinGen
Classification: Uncertain significance for ATM-related cancer predisposition. Last evaluated: 2022-03-09. Review status: reviewed by expert panel. Criteria: clingen hbop acmg specifications atm v1-1. Collection method: curation. Allele origin: germline. Inheritance: Autosomal dominant inheritance.
Comment: The ATM c.5556_5557delinsGA (p.Asp1853Asn) variant is absent in GnomAD v2.1.1 (PM2_Supporting). In silico predictors (NNSplice/ESE Finder) are in agreement this variant affects splicing (PP3). In summary, this variant meets criteria to be classified as uncertain significance based on the ACMG/AMP criteria applied as specified by the HBOP Variant Curation Expert Panel.

Myriad Genetics, Inc.
Classification: Uncertain significance for Familial cancer of breast. Last evaluated: 2024-04-04. Review status: criteria provided, single submitter. Criteria: Myriad Autosomal Dominant, Autosomal Recessive and X-Linked Classification Criteria (2023). Collection method: clinical testing. Allele origin: unknown. Not counted in ClinVar's aggregate classification.
Comment: This variant is classified as a variant of uncertain significance as there is insufficient evidence to determine its impact on protein function and/or cancer risk.

Labcorp Genetics (formerly Invitae), Labcorp
Classification: Likely benign for Ataxia-telangiectasia syndrome. Last evaluated: 2024-02-06. Review status: criteria provided, single submitter. Criteria: Invitae Variant Classification Sherloc (09022015). Collection method: clinical testing. Allele origin: germline. Not counted in ClinVar's aggregate classification.

GeneDx
Classification: Uncertain significance. Last evaluated: 2023-05-15. Review status: criteria provided, single submitter. Criteria: GeneDx Variant Classification Process June 2021. Collection method: clinical testing. Allele origin: germline. Affected: yes. Not counted in ClinVar's aggregate classification.
Comment: Not observed in large population cohorts (gnomAD); In silico analysis supports a deleterious effect on protein structure/function; In silico analysis suggests this variant may impact gene splicing. In the absence of RNA/functional studies, the actual effect of this sequence change is unknown.; Has not been previously published as pathogenic or benign to our knowledge

Ambry Genetics
Classification: Likely benign for Hereditary cancer-predisposing syndrome. Last evaluated: 2022-08-12. Review status: criteria provided, single submitter. Criteria: Ambry Variant Classification Scheme 2023. Collection method: clinical testing. Allele origin: germline. Not counted in ClinVar's aggregate classification.

Women's Health and Genetics/Laboratory Corporation of America, LabCorp
Classification: Benign. Last evaluated: 2019-06-20. Review status: criteria provided, single submitter. Criteria: LabCorp Variant Classification Summary - May 2015. Collection method: clinical testing. Allele origin: germline. Not counted in ClinVar's aggregate classification.
Comment: Variant summary: ATM c.5556_5557delinsGA (p.Asp1853Asn) results in a conservative amino acid change in the encoded protein sequence. Four of five in-silico tools predict a benign effect of the variant on protein function. The variant allele was found at a frequency of 0.11 in 282260 control chromosomes in the gnomAD database, including 2369 homozygotes. The observed variant frequency is approximately 29-folds over the estimated maximal expected allele frequency for a pathogenic variant in ATM causing Ataxia-Telangiectasia phenotype (0.004), strongly suggesting that the variant is benign. The data used for the gnomAD frequency was for the c.5557G>A, which causes the same missense change as this variant. No clinical diagnostic laboratories have submitted clinical-significance assessments for this variant to ClinVar after 2014. The individual variants of this deletion/insertion have been reported as likely benign for the synonymous change, c.5556A>G and benign for the missense change, c.5557G>A (p.Asp1853Asn). Based on the evidence outlined above, the variant was classified as benign.

NM_000051.4(ATM):c.5556_5557delinsGA (p.Asp1853Asn)

Gene: ATM (ATM serine/threonine kinase; plus strand). Cytogenetic location: 11q22.3.
Variant type: Indel.
Coding change: c.5556_5557delinsGA on transcript NM_000051.4 (MANE Select); coding-DNA positions 5556 to 5557, AG replaced by GA.
Protein change: p.Asp1853Asn; replaces aspartic acid 1853 with asparagine.
Molecular consequence: missense variant.
Genome position (GRCh38, 1-based): chr11:108,304,734-108,304,735, AG replaced by GA. VCF-style: chr11-108304734-AG-GA. GRCh37 (hg19) VCF-style: chr11-108175461-AG-GA.
Other names: NM_000051.4(ATM):c.5556_5557delinsGA; p.Asp1853Asn; c.5556_5557delinsGA, p.Asp1853Asn (NM_001351834.2); c.5556_5557delAGinsGA (NM_000051.3); short protein forms D1853N.
Identifiers: ClinVar variation 929198 (VCV000929198.17), dbSNP rs2083595502, ClinGen allele CA1139662321.
Genomic context (GRCh38, chr11:108,304,734, plus strand): 5'-GGTGAAAACTGACTTTTGTCAGACTGTACTTCCATACTTGATTCATGATATTTTACTCCA[AG>GA]ATACAAATGAATCATGGAGAAATCTGCTTTCTACACATGTTCAGGGATTTTTCACCAGCT-3'
Protein context (NP_000042.3, residues 1843-1863): PYLIHDILLQ[Asp1853Asn]TNESWRNLLS